The following is an entry in ClinVar:

ClinVar aggregate classification (germline): Conflicting classifications of pathogenicity. Review status: criteria provided, conflicting classifications (1 of 4 stars). 4 submissions from 4 submitters: Likely pathogenic (1); Uncertain significance (3). Last evaluated 2025-03-04.

Conditions:
Colorectal cancer, susceptibility to, 1. Also called: COLORECTAL ADENOMA AND CANCER, SUSCEPTIBILITY TO; COLORECTAL CANCER, SUSCEPTIBILITY TO, ON CHROMOSOME 9. Identifiers: MedGen C1837315, MONDO:0012132, OMIM 608812.

Submissions (4):

Center for Genomic Medicine, Rigshospitalet, Copenhagen University Hospital
Classification: Uncertain significance. Last evaluated: 2025-03-04. Review status: criteria provided, single submitter. Criteria: ACMG Guidelines, 2015. Collection method: clinical testing. Allele origin: germline.

Department of Clinical Genetics, Medical University of Lodz
Classification: Likely pathogenic for Colorectal cancer, susceptibility to, 1. Last evaluated: 2024-12-09. Review status: criteria provided, single submitter. Criteria: ACMG Guidelines, 2015. Collection method: clinical testing. Allele origin: germline. Inheritance: Autosomal dominant inheritance. Affected: yes. Observed: 1 variant allele.

Ambry Genetics
Classification: Uncertain significance. Last evaluated: 2022-03-04. Review status: criteria provided, single submitter. Criteria: Ambry Variant Classification Scheme 2023. Collection method: clinical testing. Allele origin: germline.
Comment: The c.171_184del14 variant, located in coding exon 1 of the GALNT12 gene, results from a deletion of 14 nucleotides at nucleotide positions 171 to 184, causing a translational frameshift with a predicted alternate stop codon (p.P58Afs*42). This alteration is expected to result in premature protein truncation or nonsense-mediated mRNA decay. However, the evidence for this gene-disease relationship is limited; therefore, the clinical significance of this alteration is unclear.

Labcorp Genetics (formerly Invitae), Labcorp
Classification: Uncertain significance. Last evaluated: 2021-05-09. Review status: criteria provided, single submitter. Criteria: Invitae Variant Classification Sherloc (09022015). Collection method: clinical testing. Allele origin: germline.
Comment: This sequence change creates a premature translational stop signal (p.Pro58Alafs*42) in the GALNT12 gene. It is expected to result in an absent or disrupted protein product. In summary, the available evidence is currently insufficient to determine the role of this variant in disease. Therefore, it has been classified as a Variant of Uncertain Significance. The current clinical and genetic evidence is not sufficient to establish whether loss-of-function variants in GALNT12 cause disease. This variant has not been reported in the literature in individuals with GALNT12-related conditions. The frequency data for this variant in the population databases is considered unreliable, as metrics indicate insufficient coverage at this position in the ExAC database.

Literature cited by the submitters: PubMed 38201513 (cited by Center for Genomic Medicine, Rigshospitalet, Copenhagen University Hospital); PubMed 19617566 (cited by Center for Genomic Medicine, Rigshospitalet, Copenhagen University Hospital); PubMed 31263571 (cited by Center for Genomic Medicine, Rigshospitalet, Copenhagen University Hospital); DOI 10.1038/gim.2015.30 (cited by Department of Clinical Genetics, Medical University of Lodz).

NM_024642.5(GALNT12):c.171_184del (p.Pro58fs)

Gene: GALNT12 (polypeptide N-acetylgalactosaminyltransferase 12; plus strand). Cytogenetic location: 9q22.33.
Variant type: Deletion.
Coding change: c.171_184del on transcript NM_024642.5 (MANE Select); coding-DNA positions 171 to 184, 14 bases deleted (CCCCGGGCGGCGCG).
Protein change: p.Pro58fs; shifts the reading frame from proline 58.
Molecular consequence: frameshift variant.
Genome position (GRCh38, 1-based): chr9:98,807,869-98,807,882, CCCCGGGCGGCGCG deleted; deleting any 14 consecutive bases within chr9:98,807,865-98,807,882 gives the same sequence; the c. name uses the placement nearest the transcript's 3' end. VCF-style (leftmost placement, unchanged base first): chr9-98807864-CCGCGCCCCGGGCGG-C. GRCh37 (hg19) VCF-style: chr9-101570146-CCGCGCCCCGGGCGG-C.
Other names: c.171_184delCCCCGGGCGGCGCG (NM_024642.5); c.171_184del14 (NM_024642.4); short protein forms P58fs.
Identifiers: ClinVar variation 859404 (VCV000859404.12), dbSNP rs1237409974, ClinGen allele CA589582962.